The following is an entry in ClinVar:

NM_032237.5(POMK):c.619G>A (p.Asp207Asn)

Gene: POMK (protein O-mannose kinase; plus strand). Cytogenetic location: 8p11.21.
Variant type: single nucleotide variant.
Coding change: c.619G>A on transcript NM_032237.5 (MANE Select); coding-DNA position 619, G replaced by A.
Protein change: p.Asp207Asn; replaces aspartic acid 207 with asparagine.
Molecular consequence: missense variant.
Genome position (GRCh38, 1-based): chr8:43,122,443, G>A. VCF-style: chr8-43122443-G-A. GRCh37 (hg19) VCF-style: chr8-42977586-G-A.
Other names: c.619G>A, p.Asp207Asn (NM_001277971.2); short protein forms D207N.
Identifiers: ClinVar variation 863774 (VCV000863774.6), dbSNP rs748538450, ClinGen allele CA4736323.
Genomic context (GRCh38, chr8:43,122,443, plus strand): 5'-AGCATCATTAATTACCTGCACCACAGCCCTGTGGGCACACGGGTCATGTGCGACTCCAAC[G>A]ACCTGCCGAAGACACTGTCCCAGTATCTGCTAACAAGCAACTTCAGCATTTTGGCAAATG-3'
Protein context (NP_115613.1, residues 197-217): VGTRVMCDSN[Asp207Asn]LPKTLSQYLL

ClinVar aggregate classification (germline): Uncertain significance (1 of 4 stars; one submission).

Conditions:
Limb-girdle muscular dystrophy due to POMK deficiency. Also called: MUSCULAR DYSTROPHY-DYSTROGLYCANOPATHY, LIMB-GIRDLE, POMK-RELATED; Muscular dystrophy-dystroglycanopathy (limb-girdle), type c, 12. Identifiers: Orphanet 445110, MedGen C4015184, MONDO:0014489, OMIM 616094.
Muscular dystrophy-dystroglycanopathy (congenital with brain and eye anomalies), type a, 12 (MDDGA12). Also called: WALKER-WARBURG SYNDROME OR MUSCLE-EYE-BRAIN DISEASE, POMK-RELATED. Identifiers: Orphanet 899, MedGen C3808964, MONDO:0014101, OMIM 615249.

Allele frequency attached by ClinVar (database versions not stated): ExAC 0.00001; gnomAD exomes 0.00001.
gnomAD v4.1: 18 of 1,614,092 alleles (0.0011%); highest among the groups gnomAD compares: Non-Finnish European, 0.0013%; no homozygotes.

Submission:

Labcorp Genetics (formerly Invitae), Labcorp
Classification: Uncertain significance for Muscular dystrophy-dystroglycanopathy (congenital with brain and eye anomalies), type a, 12; Limb-girdle muscular dystrophy due to POMK deficiency. Last evaluated: 2021-11-01. Review status: criteria provided, single submitter. Criteria: Invitae Variant Classification Sherloc (09022015). Collection method: clinical testing. Allele origin: germline.
Comment: In summary, the available evidence is currently insufficient to determine the role of this variant in disease. Therefore, it has been classified as a Variant of Uncertain Significance. Algorithms developed to predict the effect of missense changes on protein structure and function are either unavailable or do not agree on the potential impact of this missense change (SIFT: "Tolerated"; PolyPhen-2: "Possibly Damaging"; Align-GVGD: "Class C0"). ClinVar contains an entry for this variant (Variation ID: 863774). This variant has not been reported in the literature in individuals affected with POMK-related conditions. This variant is present in population databases (rs748538450, gnomAD 0.006%). This sequence change replaces aspartic acid, which is acidic and polar, with asparagine, which is neutral and polar, at codon 207 of the POMK protein (p.Asp207Asn).